The following is an entry in ClinVar:

ClinVar aggregate classification (germline): Likely pathogenic (1 of 4 stars; one submission).

Conditions:
Primary hyperoxaluria, type I (HP1). Also called: OXALOSIS I; Primary hyperoxaluria type 1; GLYCOLIC ACIDURIA; HEPATIC AGT DEFICIENCY. Identifiers: Orphanet 416, Orphanet 93598, MedGen C0268164, MONDO:0009823, OMIM 259900. Disease mechanism: loss of function.

Submission:

Thalassemia Center, San Luigi University Hospital
Classification: Likely pathogenic for Primary hyperoxaluria, type I. Last evaluated: 2023-10-27. Review status: criteria provided, single submitter. Criteria: ACMG Guidelines, 2015. Collection method: clinical testing. Allele origin: germline. Affected: yes.
Comment: ACMG:PM2 PM3 PP3 PP4

NM_000030.3(AGXT):c.79G>T (p.Gly27Trp)

Gene: AGXT (alanine--glyoxylate aminotransferase; plus strand). Cytogenetic location: 2q37.3.
Variant type: single nucleotide variant.
Coding change: c.79G>T on transcript NM_000030.3 (MANE Select); coding-DNA position 79, G replaced by T.
Protein change: p.Gly27Trp; replaces glycine 27 with tryptophan.
Molecular consequence: missense variant.
Genome position (GRCh38, 1-based): chr2:240,868,944, G>T. VCF-style: chr2-240868944-G-T. GRCh37 (hg19) VCF-style: chr2-241808361-G-T.
Other names: short protein forms G27W.
Identifiers: ClinVar variation 2671856 (VCV002671856.1), dbSNP rs2528739107, ClinGen allele CA351313009.